The following is an entry in ClinVar:

NM_013436.5(NCKAP1):c.1052A>G (p.Lys351Arg)

Gene: NCKAP1 (NCK associated protein 1; minus strand). Cytogenetic location: 2q32.1.
Variant type: single nucleotide variant.
Coding change: c.1052A>G on transcript NM_013436.5 (MANE Select); coding-DNA position 1052, A replaced by G.
Protein change: p.Lys351Arg; replaces lysine 351 with arginine.
Molecular consequence: missense variant.
Genome position (GRCh38, 1-based): chr2:182,983,335, T>C on the plus strand (A>G on the coding strand, the complement: NCKAP1 is on the minus strand). VCF-style: chr2-182983335-T-C. GRCh37 (hg19) VCF-style: chr2-183848063-T-C.
Other names: c.1070A>G, p.Lys357Arg (NM_205842.3); short protein forms K351R, K357R.
Identifiers: ClinVar variation 3384248 (VCV003384248.2).

ClinVar aggregate classification (germline): Uncertain significance (1 of 4 stars; one submission).

Submission:

GeneDx
Classification: Uncertain significance. Last evaluated: 2025-08-28. Review status: criteria provided, single submitter. Criteria: GeneDx Variant Classification Process June 2021. Collection method: clinical testing. Allele origin: germline.
Comment: Not observed at significant frequency in large population cohorts (gnomAD); In silico analysis suggests that this missense variant does not alter protein structure/function; Has not been previously published as pathogenic or benign to our knowledge